The following is an entry in ClinVar:

ClinVar aggregate classification (germline): Uncertain significance (1 of 4 stars; one submission).

Conditions:
Rubinstein-Taybi syndrome due to EP300 haploinsufficiency. Also called: EP300-Related Rubinstein-Taybi Syndrome; RUBINSTEIN-TAYBI SYNDROME 2. Identifiers: Orphanet 353284, Orphanet 783, MedGen C3150941, MONDO:0013364, OMIM 613684.

Submission:

Labcorp Genetics (formerly Invitae), Labcorp
Classification: Uncertain significance for Rubinstein-Taybi syndrome due to EP300 haploinsufficiency. Last evaluated: 2023-06-18. Review status: criteria provided, single submitter. Criteria: Invitae Variant Classification Sherloc (09022015). Collection method: clinical testing. Allele origin: germline.
Comment: In summary, the available evidence is currently insufficient to determine the role of this variant in disease. Therefore, it has been classified as a Variant of Uncertain Significance. Advanced modeling of protein sequence and biophysical properties (such as structural, functional, and spatial information, amino acid conservation, physicochemical variation, residue mobility, and thermodynamic stability) performed at Invitae indicates that this missense variant is not expected to disrupt EP300 protein function. This variant has not been reported in the literature in individuals affected with EP300-related conditions. This variant is not present in population databases (gnomAD no frequency). This sequence change replaces asparagine, which is neutral and polar, with aspartic acid, which is acidic and polar, at codon 2132 of the EP300 protein (p.Asn2132Asp).

NM_001429.4(EP300):c.6394A>G (p.Asn2132Asp)

Gene: EP300 (EP300 lysine acetyltransferase; plus strand). Cytogenetic location: 22q13.2.
Variant type: single nucleotide variant.
Coding change: c.6394A>G on transcript NM_001429.4 (MANE Select); coding-DNA position 6394, A replaced by G.
Protein change: p.Asn2132Asp; replaces asparagine 2132 with aspartic acid.
Molecular consequence: missense variant.
Genome position (GRCh38, 1-based): chr22:41,178,105, A>G. VCF-style: chr22-41178105-A-G. GRCh37 (hg19) VCF-style: chr22-41574109-A-G.
Other names: c.6316A>G, p.Asn2106Asp (NM_001362843.2); short protein forms N2106D, N2132D.
Identifiers: ClinVar variation 2738601 (VCV002738601.3), dbSNP rs2517834698, ClinGen allele CA411681870.
Genomic context (GRCh38, chr22:41,178,105, plus strand): 5'-GGGCTACAGCCACCTACCATGCCAGGTCAGCAGGGGGTCCACTCCAATCCAGCCATGCAG[A>G]ACATGAATCCAATGCAGGCGGGCGTTCAGAGGGCTGGCCTGCCCCAGCAGCAACCACAGC-3'
Protein context (NP_001420.2, residues 2122-2142): QGVHSNPAMQ[Asn2132Asp]MNPMQAGVQR